The following is an entry in ClinVar:

NM_004984.4(KIF5A):c.52C>T (p.Pro18Ser)

Gene: KIF5A (kinesin family member 5A; plus strand). Cytogenetic location: 12q13.3.
Variant type: single nucleotide variant.
Coding change: c.52C>T on transcript NM_004984.4 (MANE Select); coding-DNA position 52, C replaced by T.
Protein change: p.Pro18Ser; replaces proline 18 with serine.
Molecular consequence: missense variant.
Genome position (GRCh38, 1-based): chr12:57,550,323, C>T. VCF-style: chr12-57550323-C-T. GRCh37 (hg19) VCF-style: chr12-57944106-C-T.
Other names: c.52C>T, p.Pro18Ser (NM_001354705.2); short protein forms P18S.
Identifiers: ClinVar variation 1328093 (VCV001328093.12), dbSNP rs770302674, ClinGen allele CA6652492.

ClinVar aggregate classification (germline): Uncertain significance. Review status: criteria provided, single submitter (1 of 4 stars). 3 submissions from 3 submitters: Uncertain significance (1). 2 of the submissions do not count toward it. Last evaluated 2024-10-23.

Conditions:
Spastic paraplegia. Identifiers: MedGen C0037772, HP:0001258.

Allele frequency attached by ClinVar (database versions not stated): gnomAD exomes below 0.00001; TOPMed below 0.00001; ExAC 0.00001; gnomAD 0.00001.
gnomAD v4.1: 4 of 1,614,082 alleles (0.00025%); highest among the groups gnomAD compares: Non-Finnish European, 0.00034%; no homozygotes.

Submissions (3):

Labcorp Genetics (formerly Invitae), Labcorp
Classification: Uncertain significance for Spastic paraplegia. Last evaluated: 2024-10-23. Review status: criteria provided, single submitter. Criteria: Invitae Variant Classification Sherloc (09022015). Collection method: clinical testing. Allele origin: germline.
Comment: This sequence change replaces proline, which is neutral and non-polar, with serine, which is neutral and polar, at codon 18 of the KIF5A protein (p.Pro18Ser). This variant is present in population databases (rs770302674, gnomAD 0.0009%). This variant has not been reported in the literature in individuals affected with KIF5A-related conditions. ClinVar contains an entry for this variant (Variation ID: 1328093). Invitae Evidence Modeling of protein sequence and biophysical properties (such as structural, functional, and spatial information, amino acid conservation, physicochemical variation, residue mobility, and thermodynamic stability) has been performed for this missense variant. However, the output from this modeling did not meet the statistical confidence thresholds required to predict the impact of this variant on KIF5A protein function. In summary, the available evidence is currently insufficient to determine the role of this variant in disease. Therefore, it has been classified as a Variant of Uncertain Significance.

Clinical Genetics, Academic Medical Center
Classification: Uncertain significance. Review status: no assertion criteria provided. Collection method: clinical testing. Allele origin: germline. Affected: yes. Study: VKGL Data-share Consensus. Not counted in ClinVar's aggregate classification.

Joint Genome Diagnostic Labs from Nijmegen and Maastricht, Radboudumc and MUMC+
Classification: Uncertain significance. Review status: no assertion criteria provided. Collection method: clinical testing. Allele origin: germline. Affected: yes. Study: VKGL Data-share Consensus. Not counted in ClinVar's aggregate classification.